The following is an entry in ClinVar:

ClinVar aggregate classification (germline): Benign/Likely benign. Review status: criteria provided, multiple submitters, no conflicts (2 of 4 stars). 3 submissions from 3 submitters: Benign (1); Likely benign (2). Last evaluated 2024-12-16.

Conditions:
Hereditary nonpolyposis colorectal neoplasms. Identifiers: MedGen C0009405, MeSH D003123.
Lynch syndrome 5 (LYNCH5). Also called: Colorectal cancer, hereditary nonpolyposis, type 5; Hereditary non-polyposis colorectal cancer, type 5. Identifiers: Orphanet 144, MedGen C1833477, MONDO:0013710, OMIM 614350. Disease mechanism: loss of function.
Hereditary cancer-predisposing syndrome. Also called: Hereditary neoplastic syndrome; Hereditary Cancer Syndrome; Neoplastic Syndromes, Hereditary; Tumor predisposition. Identifiers: Orphanet 140162, MedGen C0027672, MeSH D009386, MONDO:0015356.

gnomAD v4.1: 1 of 1,612,054 alleles (0.000062%); no homozygotes.

Submissions (3):

Myriad Genetics, Inc.
Classification: Benign for Lynch syndrome 5. Last evaluated: 2024-12-16. Review status: criteria provided, single submitter. Criteria: Myriad Autosomal Dominant, Autosomal Recessive and X-Linked Classification Criteria (2023). Collection method: clinical testing. Allele origin: unknown.
Comment: This variant is considered benign. This variant is a silent/synonymous amino acid change and it is not expected to impact splicing.

Labcorp Genetics (formerly Invitae), Labcorp
Classification: Likely benign for Hereditary nonpolyposis colorectal neoplasms. Last evaluated: 2024-03-27. Review status: criteria provided, single submitter. Criteria: Invitae Variant Classification Sherloc (09022015). Collection method: clinical testing. Allele origin: germline.

Color Diagnostics, LLC DBA Color Health
Classification: Likely benign for Hereditary cancer-predisposing syndrome. Last evaluated: 2022-03-21. Review status: criteria provided, single submitter. Criteria: ACMG Guidelines, 2015. Collection method: clinical testing. Allele origin: germline.

NM_000179.3(MSH6):c.21G>A (p.Leu7=)

Gene: MSH6 (mutS homolog 6; plus strand). Cytogenetic location: 2p16.3.
Variant type: single nucleotide variant.
Coding change: c.21G>A on transcript NM_000179.3 (MANE Select); coding-DNA position 21, G replaced by A.
Protein change: p.Leu7=; no amino-acid change (leucine 7 retained).
Molecular consequence: synonymous variant. On other transcripts: 5 prime UTR variant (8), non-coding transcript variant (5), intron variant (5).
Genome position (GRCh38, 1-based): chr2:47,783,254, G>A. VCF-style: chr2-47783254-G-A. GRCh37 (hg19) VCF-style: chr2-48010393-G-A.
Other names: c.21G>A, p.Leu7= (NM_001281492.2, NM_001406795.1, NM_001406796.1 and 9 more transcripts); c.-716G>A (NM_001281493.2, NM_001406811.1); c.-308G>A (NM_001406799.1); c.-35G>A (NM_001406804.1); c.-908G>A (NM_001406807.1); c.-563G>A (NM_001406812.1); c.-974G>A (NM_001406814.1); c.-519G>A (NM_001406816.1); and 3 more.
Identifiers: ClinVar variation 2773625 (VCV002773625.5), dbSNP rs757815307, ClinGen allele CA425986830.